The following is an entry in ClinVar:

ClinVar aggregate classification (germline): Pathogenic (1 of 4 stars; one submission).

Submission:

Labcorp Genetics (formerly Invitae), Labcorp
Classification: Pathogenic. Last evaluated: 2025-06-04. Review status: criteria provided, single submitter. Criteria: Invitae Variant Classification Sherloc (09022015). Collection method: clinical testing. Allele origin: germline.
Comment: This sequence change creates a premature translational stop signal (p.Gln937Alafs*67) in the SPTB gene. It is expected to result in an absent or disrupted protein product. Loss-of-function variants in SPTB are known to be pathogenic (PMID: 1391962, 1498324, 8844207, 26830532, 27292444). This variant is not present in population databases (gnomAD no frequency). This variant has not been reported in the literature in individuals affected with SPTB-related conditions. For these reasons, this variant has been classified as Pathogenic.

Literature cited by the submitters: PubMed 1391962; PubMed 1498324; PubMed 8844207; PubMed 26830532; PubMed 27292444.

NM_001355436.2(SPTB):c.2808dup (p.Gln937fs)

Gene: SPTB (spectrin beta, erythrocytic; minus strand). Cytogenetic location: 14q23.3.
Variant type: Duplication.
Coding change: c.2808dup on transcript NM_001355436.2 (MANE Select); coding-DNA position 2808, one base duplicated (G; older notation c.2808dupG).
Protein change: p.Gln937fs; shifts the reading frame from glutamine 937.
Molecular consequence: frameshift variant.
Genome position (GRCh38, 1-based): chr14:64,787,157, C duplicated on the plus strand (G on the coding strand, the reverse complement: SPTB is on the minus strand); the first of 2 consecutive C bases (chr14:64,787,157-64,787,158); duplicating either gives the same sequence. VCF-style (leftmost placement, unchanged base first): chr14-64787156-G-GC. GRCh37 (hg19) VCF-style: chr14-65253874-G-GC.
Other names: c.2808dup, p.Gln937fs (NM_001024858.4, NM_001355437.2); short protein forms Q937fs.
Identifiers: ClinVar variation 4720771 (VCV004720771.1).
Genomic context (GRCh38, chr14:64,787,156, plus strand): 5'-GCACTCGGAGGGCTGAGTCCACAGCCTCCCGCCGCTCCGACACCAGGGTCTGAAATGCCT[G>GC]CCACCTGCCGGATGGGGACACAGCCCGGAGGAGAGAGACACCTTCTCCCTTAGCTCTTCT-3'